The following is an entry in ClinVar:

ClinVar aggregate classification (germline): Uncertain significance (1 of 4 stars; one submission).

Submission:

GeneDx
Classification: Uncertain significance. Last evaluated: 2019-07-11. Review status: criteria provided, single submitter. Criteria: GeneDx Variant Classification Process June 2021. Collection method: clinical testing. Allele origin: germline. Affected: yes.
Comment: Not observed at a significant frequency in large population cohorts (Lek et al., 2016); In silico analysis, which includes protein predictors and evolutionary conservation, supports a deleterious effect; Has not been previously published as pathogenic or benign to our knowledge

NM_002291.3(LAMB1):c.2534G>T (p.Gly845Val)

Gene: LAMB1 (laminin subunit beta 1; minus strand). Cytogenetic location: 7q31.1.
Variant type: single nucleotide variant.
Coding change: c.2534G>T on transcript NM_002291.3 (MANE Select); coding-DNA position 2534, G replaced by T.
Protein change: p.Gly845Val; replaces glycine 845 with valine.
Molecular consequence: missense variant.
Genome position (GRCh38, 1-based): chr7:107,959,405, C>A on the plus strand (G>T on the coding strand, the complement: LAMB1 is on the minus strand). VCF-style: chr7-107959405-C-A. GRCh37 (hg19) VCF-style: chr7-107599850-C-A.
Other names: short protein forms G845V.
Identifiers: ClinVar variation 1306937 (VCV001306937.2), dbSNP rs199766322, ClinGen allele CA4435600.